The following is an entry in ClinVar:

NM_000218.3(KCNQ1):c.1394-3032T>C

Genes: KCNQ1 (potassium voltage-gated channel subfamily Q member 1; plus strand), KCNQ1OT1 (KCNQ1 opposite strand/antisense transcript 1; minus strand). Cytogenetic location: 11p15.5.
Variant type: single nucleotide variant.
Coding change: c.1394-3032T>C on transcript NM_000218.3 (MANE Select); 3032 bases into the intron before coding-DNA position 1394, T replaced by C.
Molecular consequence: intron variant. On other transcripts: non-coding transcript variant (1).
Genome position (GRCh38, 1-based): chr11:2,658,929, T>C. VCF-style: chr11-2658929-T-C. GRCh37 (hg19) VCF-style: chr11-2680159-T-C.
Other names: c.1124-3032T>C (NM_001406837.1); c.1298-3032T>C (NM_001406836.1); c.854-3032T>C (NM_001406838.1); c.1013-3032T>C (NM_181798.2).
Identifiers: ClinVar variation 5039570 (VCV005039570.1).
Genomic context (GRCh38, chr11:2,658,929, plus strand): 5'-TTACTTATTTGTGTAACCCTATTGTACACGTAGTACCCTATGTGAAGCAAATTTACCTAC[T>C]AGATTAGAGTGTTTAGGACAGACTTTTGCTTTAACCATAGAGTGTCCAGTCAAAACAGTG-3'

ClinVar aggregate classification (germline): Likely benign (1 of 4 stars; one submission).

gnomAD v4.1: 530 of 398,562 alleles (0.13%); highest among the groups gnomAD compares: African/African-American, 0.99%; 5 homozygotes.

Submission:

CeGaT Center for Human Genetics Tuebingen
Classification: Likely benign. Last evaluated: 2026-09-01. Review status: criteria provided, single submitter. Criteria: CeGaT Center For Human Genetics Tuebingen Variant Classification Criteria Version 2. Collection method: clinical testing. Allele origin: germline. Affected: yes. Observed: 4 variant alleles.
Comment: KCNQ1OT1: BS2